The following is an entry in ClinVar:

ClinVar aggregate classification (germline): Conflicting classifications of pathogenicity. Review status: criteria provided, conflicting classifications (1 of 4 stars). 8 submissions from 7 submitters: Uncertain significance (2); Benign (2); Likely benign (3). 1 of the submissions does not count toward it. Last evaluated 2026-01-05.

Conditions:
Cardiovascular phenotype. Identifiers: MedGen CN230736.
ABCC9-related disorder. Also called: ABCC9-related condition; ABCC9-related disorders.
Hypertrichotic osteochondrodysplasia Cantu type. Also called: Cantú Syndrome; Cantu Syndrome. Identifiers: Orphanet 1517, MedGen C0795905, MONDO:0009406, OMIM 239850.
Dilated cardiomyopathy 1O (CMD1O). Also called: CARDIOMYOPATHY, DILATED, WITH VENTRICULAR TACHYCARDIA. Identifiers: Orphanet 154, MedGen C1837839, MONDO:0012062, OMIM 608569.

Allele frequency attached by ClinVar (database versions not stated): gnomAD exomes 0.00002 and 0.00010; ExAC 0.00012; TOPMed 0.00029; gnomAD 0.00031; ESP Exome Variant Server 0.00038; 1000 Genomes Project 0.00060; 1000 Genomes Project 30x 0.00078.
gnomAD v4.1: 86 of 1,614,166 alleles (0.0053%); highest among the groups gnomAD compares: African/African-American, 0.097%; no homozygotes.

Submissions (8):

Labcorp Genetics (formerly Invitae), Labcorp
Classification: Benign for Dilated cardiomyopathy 1O. Last evaluated: 2026-01-05. Review status: criteria provided, single submitter. Criteria: Invitae Variant Classification Sherloc (09022015). Collection method: clinical testing. Allele origin: germline.

ARUP Laboratories, Molecular Genetics and Genomics, ARUP Laboratories
Classification: Benign. Last evaluated: 2021-05-22. Review status: criteria provided, single submitter. Criteria: ARUP Molecular Germline Variant Investigation Process 2021. Collection method: clinical testing. Allele origin: germline.

GeneDx
Classification: Likely benign. Last evaluated: 2019-12-03. Review status: criteria provided, single submitter. Criteria: GeneDx Variant Classification Process June 2021. Collection method: clinical testing. Allele origin: germline. Affected: yes.

Ambry Genetics
Classification: Likely benign for Cardiovascular phenotype. Last evaluated: 2019-03-12. Review status: criteria provided, single submitter. Criteria: Ambry Variant Classification Scheme 2023. Collection method: clinical testing. Allele origin: germline.

Illumina Laboratory Services, Illumina
Classification: Uncertain significance for Dilated cardiomyopathy 1O. Last evaluated: 2018-01-12. Review status: criteria provided, single submitter. Criteria: ICSL Variant Classification Criteria 13 December 2019. Collection method: clinical testing. Allele origin: germline.

Illumina Laboratory Services, Illumina
Classification: Uncertain significance for Hypertrichotic osteochondrodysplasia Cantu type. Last evaluated: 2018-01-12. Review status: criteria provided, single submitter. Criteria: ICSL Variant Classification Criteria 13 December 2019. Collection method: clinical testing. Allele origin: germline.

Laboratory for Molecular Medicine, Mass General Brigham Personalized Medicine
Classification: Likely benign. Last evaluated: 2012-03-19. Review status: criteria provided, single submitter. Criteria: LMM Criteria. Collection method: clinical testing. Allele origin: germline. Observed: 2 variant alleles.
Comment: Ser1113Ser in Exon 27 of ABCC9: This variant is not expected to have clinical si gnificance because it does not alter an amino acid residue and is not located wi thin the splice consensus sequence. It has been identified in 0.1% (3/3738) of A frican American chromosomes by the NHLBI Exome Sequencing Project (.; dbSNP rs138280089).

PreventionGenetics, part of Exact Sciences
Classification: Likely benign for ABCC9-related condition. Last evaluated: 2022-02-11. Review status: no assertion criteria provided. Collection method: clinical testing. Allele origin: germline. Not counted in ClinVar's aggregate classification.
Comment: This variant is classified as likely benign based on ACMG/AMP sequence variant interpretation guidelines (Richards et al. 2015 PMID: 25741868, with internal and published modifications).

NM_020297.4(ABCC9):c.3339T>G (p.Ser1113=)

Gene: ABCC9 (ATP binding cassette subfamily C member 9; minus strand). Cytogenetic location: 12p12.1.
Variant type: single nucleotide variant.
Coding change: c.3339T>G on transcript NM_020297.4 (MANE Select); coding-DNA position 3339, T replaced by G.
Protein change: p.Ser1113=; no amino-acid change (serine 1113 retained).
Molecular consequence: synonymous variant.
Genome position (GRCh38, 1-based): chr12:21,842,448, A>C on the plus strand (T>G on the coding strand, the complement: ABCC9 is on the minus strand). VCF-style: chr12-21842448-A-C. GRCh37 (hg19) VCF-style: chr12-21995382-A-C.
Other names: c.3339T>G (NM_020297.3); c.3339T>G, p.Ser1113= (NM_001377273.1, NM_005691.4); c.2472T>G, p.Ser824= (NM_001377274.1).
Identifiers: ClinVar variation 178001 (VCV000178001.29), dbSNP rs138280089, ClinGen allele CA181146.
Genomic context (GRCh38, chr12:21,842,448, plus strand): 5'-AGGAGTAGCATAAGAAATCATCCCAATGGCAGACAGGCAGAGCAGTGTTGAGCGAGTTAG[A>C]GATTCCAAGGTTGGAGGGATGTGCTATTAGGGTAGTTTAAAAGGAAAATATGATTAGCCC-3'
Protein context (NP_064693.2, residues 1103-1123): IDQHIPPTLE[Ser1113=]LTRSTLLCLS